The following is an entry in ClinVar:

ClinVar aggregate classification (germline): Conflicting classifications of pathogenicity. Review status: criteria provided, conflicting classifications (1 of 4 stars). 3 submissions from 3 submitters: Uncertain significance (2); Likely benign (1). Last evaluated 2024-11-24.

Conditions:
Inborn genetic diseases. Identifiers: MedGen C0950123, MeSH D030342.
Congenital stationary night blindness 1D. Also called: Night blindness, congenital stationary (complete), 1D, autosomal recessive. Identifiers: Orphanet 215, MedGen C3151193, MONDO:0013450, OMIM 613830.

Allele frequency attached by ClinVar (database versions not stated): gnomAD exomes below 0.00001 and 0.00001; TOPMed below 0.00001; ExAC 0.00001.
gnomAD v4.1: 10 of 1,611,348 alleles (0.00062%); highest among the groups gnomAD compares: Middle Eastern, 0.017%; no homozygotes.

Submissions (3):

Ambry Genetics
Classification: Likely benign for Inborn genetic diseases. Last evaluated: 2024-11-24. Review status: criteria provided, single submitter. Criteria: Ambry Variant Classification Scheme 2023. Collection method: clinical testing. Allele origin: germline.

Labcorp Genetics (formerly Invitae), Labcorp
Classification: Uncertain significance. Last evaluated: 2021-06-28. Review status: criteria provided, single submitter. Criteria: Invitae Variant Classification Sherloc (09022015). Collection method: clinical testing. Allele origin: germline.
Comment: In summary, the available evidence is currently insufficient to determine the role of this variant in disease. Therefore, it has been classified as a Variant of Uncertain Significance. Algorithms developed to predict the effect of missense changes on protein structure and function output the following: SIFT: "Tolerated"; PolyPhen-2: "Benign"; Align-GVGD: "Class C0". The isoleucine amino acid residue is found in multiple mammalian species, suggesting that this missense change does not adversely affect protein function. These predictions have not been confirmed by published functional studies and their clinical significance is uncertain. This variant has not been reported in the literature in individuals with SLC24A1-related conditions. ClinVar contains an entry for this variant (Variation ID: 886521). This variant is present in population databases (rs760348512, ExAC 0.002%). This sequence change replaces methionine with isoleucine at codon 946 of the SLC24A1 protein (p.Met946Ile). The methionine residue is weakly conserved and there is a small physicochemical difference between methionine and isoleucine.

Illumina Laboratory Services, Illumina
Classification: Uncertain significance for Congenital stationary night blindness 1D. Last evaluated: 2018-01-13. Review status: criteria provided, single submitter. Criteria: ICSL Variant Classification Criteria 13 December 2019. Collection method: clinical testing. Allele origin: germline.

NM_004727.3(SLC24A1):c.2838G>A (p.Met946Ile)

Gene: SLC24A1 (solute carrier family 24 member 1; plus strand). Cytogenetic location: 15q22.31.
Variant type: single nucleotide variant.
Coding change: c.2838G>A on transcript NM_004727.3 (MANE Select); coding-DNA position 2838, G replaced by A.
Protein change: p.Met946Ile; replaces methionine 946 with isoleucine.
Molecular consequence: missense variant. On other transcripts: intron variant (1).
Genome position (GRCh38, 1-based): chr15:65,651,714, G>A. VCF-style: chr15-65651714-G-A. GRCh37 (hg19) VCF-style: chr15-65944052-G-A.
Other names: c.819G>A, p.Met273Ile (NM_001254740.2); c.2784G>A, p.Met928Ile (NM_001301032.1, NM_001301033.2); c.2793+772G>A (NM_001301031.1); short protein forms M273I, M946I, M928I.
Identifiers: ClinVar variation 886521 (VCV000886521.10), dbSNP rs760348512, ClinGen allele CA7620229.